The following is an entry in ClinVar:

NM_058186.4(FAM3B):c.539G>A (p.Arg180Lys)

Gene: FAM3B (FAM3 metabolism regulating signaling molecule B; plus strand). Cytogenetic location: 21q22.3.
Variant type: single nucleotide variant.
Coding change: c.539G>A on transcript NM_058186.4 (MANE Select); coding-DNA position 539, G replaced by A.
Protein change: p.Arg180Lys; replaces arginine 180 with lysine.
Molecular consequence: missense variant.
Genome position (GRCh38, 1-based): chr21:41,348,645, G>A. VCF-style: chr21-41348645-G-A. GRCh37 (hg19) VCF-style: chr21-42720572-G-A.
Other names: c.395G>A, p.Arg132Lys (NM_206964.2); short protein forms R132K, R180K.
Identifiers: ClinVar variation 4830457 (VCV004830457.1).
Genomic context (GRCh38, chr21:41,348,645, plus strand): 5'-CCTGCAGACTGAATAACGATGCCAAGAATGCCATAGAAGCACTTGGAAGTAAAGAAATCA[G>A]GAACATGAAATTCAGGTCTAGCTGGGTATTTATTGCAGCAAAAGGCTTGGAACTCCCTTC-3'
Protein context (NP_478066.3, residues 170-190): AIEALGSKEI[Arg180Lys]NMKFRSSWVF

ClinVar aggregate classification (germline): Uncertain significance (1 of 4 stars; one submission).

gnomAD v4.1: 53 of 1,614,096 alleles (0.0033%); highest among the groups gnomAD compares: Non-Finnish European, 0.0041%; no homozygotes.

Submission:

Ambry Genetics
Classification: Uncertain significance. Last evaluated: 2025-12-16. Review status: criteria provided, single submitter. Criteria: Ambry Variant Classification Scheme 2023. Collection method: clinical testing. Allele origin: germline.
Comment: The c.539G>A (p.R180K) alteration is located in exon 7 (coding exon 7) of the FAM3B gene. This alteration results from a G to A substitution at nucleotide position 539, causing the arginine (R) at amino acid position 180 to be replaced by a lysine (K). Based on data from gnomAD, the A allele has an overall frequency of 0.002% (5/282882) total alleles studied. The highest observed frequency was 0.004% (1/24974) of African alleles. Based on insufficient or conflicting evidence, the clinical significance of this alteration remains unclear.